The following is an entry in ClinVar:

ClinVar aggregate classification (germline): Uncertain significance (1 of 4 stars; one submission).

Conditions:
Hypertrophic cardiomyopathy. Also called: HYPERTROPHIC MYOCARDIOPATHY. Identifiers: Orphanet 217569, MedGen C0007194, MeSH D002312, MONDO:0005045, HP:0001639.

Submission:

Labcorp Genetics (formerly Invitae), Labcorp
Classification: Uncertain significance for Hypertrophic cardiomyopathy. Last evaluated: 2025-06-19. Review status: criteria provided, single submitter. Criteria: Invitae Variant Classification Sherloc (09022015). Collection method: clinical testing. Allele origin: germline.
Comment: This sequence change creates a premature translational stop signal (p.Gly838Argfs*13) in the MYOM1 gene. It is expected to result in an absent or disrupted protein product. However, the current clinical and genetic evidence is not sufficient to establish whether loss-of-function variants in MYOM1 cause disease. This variant is not present in population databases (gnomAD no frequency). This variant has not been reported in the literature in individuals affected with MYOM1-related conditions. In summary, the available evidence is currently insufficient to determine the role of this variant in disease. Therefore, it has been classified as a Variant of Uncertain Significance.

NM_019856.2(MYOM1):c.2506+1859dup

Gene: MYOM1 (myomesin 1; minus strand). Cytogenetic location: 18p11.31.
Variant type: Duplication.
Coding change: c.2506+1859dup on transcript NM_019856.2; 1859 bases into the intron after coding-DNA position 2506, one base duplicated (G; older notation c.2506+1859dupG).
Molecular consequence: intron variant.
Genome position (GRCh38, 1-based): chr18:3,129,516, C duplicated on the plus strand (G on the coding strand, the reverse complement: MYOM1 is on the minus strand); the first of 5 consecutive C bases (chr18:3,129,516-3,129,520); duplicating any one gives the same sequence. VCF-style (leftmost placement, unchanged base first): chr18-3129515-T-TC. GRCh37 (hg19) VCF-style: chr18-3129513-T-TC.
Identifiers: ClinVar variation 4769482 (VCV004769482.1).